The following is an entry in ClinVar:

NM_001943.5(DSG2):c.1397C>G (p.Thr466Ser)

Gene: DSG2 (desmoglein 2; plus strand). Cytogenetic location: 18q12.1.
Variant type: single nucleotide variant.
Coding change: c.1397C>G on transcript NM_001943.5 (MANE Select); coding-DNA position 1397, C replaced by G.
Protein change: p.Thr466Ser; replaces threonine 466 with serine.
Molecular consequence: missense variant.
Genome position (GRCh38, 1-based): chr18:31,535,386, C>G. VCF-style: chr18-31535386-C-G. GRCh37 (hg19) VCF-style: chr18-29115349-C-G.
Other names: c.1397C>G (LRG_397t1); short protein forms T466S.
Identifiers: ClinVar variation 410371 (VCV000410371.8), dbSNP rs769137357, ClinGen allele CA16616064.

ClinVar aggregate classification (germline): Uncertain significance. Review status: criteria provided, multiple submitters, no conflicts (2 of 4 stars). 2 submissions from 2 submitters: Uncertain significance (2). Last evaluated 2025-07-10.

Conditions:
Cardiomyopathy (CMYO). Also called: Cardiomyopathies. Identifiers: Orphanet 167848, MedGen C0878544, MONDO:0004994, HP:0001638. Inheritance: Various modes of inheritance.
Arrhythmogenic right ventricular dysplasia 10. Also called: ARRHYTHMOGENIC RIGHT VENTRICULAR DYSPLASIA, FAMILIAL, 10; Arrhythmogenic right ventricular dysplasia/cardiomyopathy, type 10; Arrhythmogenic Right Ventricular Dysplasia/Cardiomyopathy10. Identifiers: MedGen C1857777, MONDO:0012434, OMIM 610193.

Submissions (2):

Color Diagnostics, LLC DBA Color Health
Classification: Uncertain significance for Cardiomyopathy. Last evaluated: 2025-07-10. Review status: criteria provided, single submitter. Criteria: ACMG Guidelines, 2015. Collection method: clinical testing. Allele origin: germline.
Comment: This missense variant replaces threonine with serine at codon 466 of the DSG2 protein. Computational prediction suggests that this variant may not impact protein structure and function. To our knowledge, functional studies have not been reported for this variant. This variant has been reported in an individual affected with peripartum cardiomyopathy (PMID: 33874732). This variant has not been identified in the general population by the Genome Aggregation Database (gnomAD). The available evidence is insufficient to determine the role of this variant in disease conclusively. Therefore, this variant is classified as a Variant of Uncertain Significance.

Labcorp Genetics (formerly Invitae), Labcorp
Classification: Uncertain significance for Arrhythmogenic right ventricular dysplasia 10. Last evaluated: 2016-05-07. Review status: criteria provided, single submitter. Criteria: Invitae Variant Classification Sherloc (09022015). Collection method: clinical testing. Allele origin: germline.
Comment: In summary, this variant is a novel missense change that is not predicted to affect protein function. There is no indication that it causes disease, but the available evidence is currently insufficient to prove that conclusively. Therefore, it has been classified as a Variant of Uncertain Significance. Algorithms developed to predict the effect of missense changes on protein structure and function (SIFT, PolyPhen-2, Align-GVGD) all suggest that this variant is likely to be tolerated, but these predictions have not been confirmed by published functional studies. This variant is not present in population databases (ExAC no frequency) and has not been reported in the literature in individuals with a DSG2-related disease. This sequence change replaces threonine with serine at codon 466 of the DSG2 protein (p.Thr466Ser). The threonine residue is moderately conserved and there is a small physicochemical difference between threonine and serine.

Literature cited by the submitters: PubMed 33874732 (cited by Color Diagnostics, LLC DBA Color Health).